The following is an entry in ClinVar:

NM_004055.5(CAPN5):c.297+6G>A

Gene: CAPN5 (calpain 5; plus strand). Cytogenetic location: 11q13.5.
Variant type: single nucleotide variant.
Coding change: c.297+6G>A on transcript NM_004055.5 (MANE Select); 6 bases into the intron after coding-DNA position 297, G replaced by A.
Molecular consequence: intron variant.
Genome position (GRCh38, 1-based): chr11:77,093,819, G>A. VCF-style: chr11-77093819-G-A. GRCh37 (hg19) VCF-style: chr11-76804865-G-A.
Identifiers: ClinVar variation 1373002 (VCV001373002.7), dbSNP rs370922533, ClinGen allele CA6196227.

ClinVar aggregate classification (germline): Conflicting classifications of pathogenicity. Review status: criteria provided, conflicting classifications (1 of 4 stars). 2 submissions from 2 submitters: Uncertain significance (1); Likely benign (1). Last evaluated 2024-11-11.

Allele frequency attached by ClinVar (database versions not stated): gnomAD exomes 0.00001 and 0.00003; ExAC 0.00003; ESP Exome Variant Server 0.00008; TOPMed 0.00012; gnomAD 0.00013 and 0.00016.
gnomAD v4.1: 32 of 1,608,488 alleles (0.002%); highest among the groups gnomAD compares: African/African-American, 0.037%; no homozygotes.

Submissions (2):

Labcorp Genetics (formerly Invitae), Labcorp
Classification: Uncertain significance. Last evaluated: 2024-11-11. Review status: criteria provided, single submitter. Criteria: Invitae Variant Classification Sherloc (09022015). Collection method: clinical testing. Allele origin: germline.
Comment: This sequence change falls in intron 3 of the CAPN5 gene. It does not directly change the encoded amino acid sequence of the CAPN5 protein. It affects a nucleotide within the consensus splice site. This variant is present in population databases (rs370922533, gnomAD 0.06%), and has an allele count higher than expected for a pathogenic variant. This variant has not been reported in the literature in individuals affected with CAPN5-related conditions. ClinVar contains an entry for this variant (Variation ID: 1373002). Variants that disrupt the consensus splice site are a relatively common cause of aberrant splicing (PMID: 17576681, 9536098). Algorithms developed to predict the effect of sequence changes on RNA splicing suggest that this variant is not likely to affect RNA splicing. In summary, the available evidence is currently insufficient to determine the role of this variant in disease. Therefore, it has been classified as a Variant of Uncertain Significance.

Blueprint Genetics
Classification: Likely benign. Last evaluated: 2023-08-17. Review status: criteria provided, single submitter. Criteria: ACMG Guidelines, 2015. Collection method: clinical testing. Allele origin: germline.

Literature cited by the submitters: PubMed 17576681 (cited by Labcorp Genetics (formerly Invitae), Labcorp); PubMed 9536098 (cited by Labcorp Genetics (formerly Invitae), Labcorp).